The following is an entry in ClinVar:

ClinVar aggregate classification (germline): Likely benign (1 of 4 stars; one submission).

gnomAD v4.1: 10 of 1,588,312 alleles (0.00063%); highest among the groups gnomAD compares: Admixed American, 0.0035%; no homozygotes.

Submission:

CeGaT Center for Human Genetics Tuebingen
Classification: Likely benign. Last evaluated: 2026-01-01. Review status: criteria provided, single submitter. Criteria: CeGaT Center For Human Genetics Tuebingen Variant Classification Criteria Version 2. Collection method: clinical testing. Allele origin: germline. Affected: yes. Observed: 1 variant allele.
Comment: DLG5: BP4, BP7

NM_004747.4(DLG5):c.837C>T (p.Ile279=)

Gene: DLG5 (discs large MAGUK scaffold protein 5; minus strand). Cytogenetic location: 10q22.3.
Variant type: single nucleotide variant.
Coding change: c.837C>T on transcript NM_004747.4 (MANE Select); coding-DNA position 837, C replaced by T.
Protein change: p.Ile279=; no amino-acid change (isoleucine 279 retained).
Molecular consequence: synonymous variant.
Genome position (GRCh38, 1-based): chr10:77,853,381, G>A on the plus strand (C>T on the coding strand, the complement: DLG5 is on the minus strand). VCF-style: chr10-77853381-G-A. GRCh37 (hg19) VCF-style: chr10-79613139-G-A.
Identifiers: ClinVar variation 4823052 (VCV004823052.4).